The following is an entry in ClinVar:

ClinVar aggregate classification (germline): Uncertain significance. Review status: criteria provided, multiple submitters, no conflicts (2 of 4 stars). 2 submissions from 2 submitters: Uncertain significance (2). Last evaluated 2024-04-22.

Conditions:
Arterial calcification, generalized, of infancy, 2. Identifiers: Orphanet 51608, MedGen C3276161, MONDO:0013768, OMIM 614473.
Autosomal recessive inherited pseudoxanthoma elasticum (PXE). Identifiers: Orphanet 758, MedGen CN032334, MONDO:0009925, OMIM 264800.
Pseudoxanthoma elasticum, forme fruste. Also called: Pseudoxanthoma Elasticum, Incomplete; PSEUDOXANTHOMA ELASTICUM, HETEROZYGOUS. Identifiers: Orphanet 758, MedGen C1867450, MONDO:0008333, OMIM 177850.

Allele frequency attached by ClinVar (database versions not stated): ExAC 0.00002; TOPMed 0.00009; gnomAD exomes 0.00001 and below 0.00001; gnomAD 0.00006.

Submissions (2):

Fulgent Genetics
Classification: Uncertain significance for Pseudoxanthoma elasticum, forme fruste; Autosomal recessive inherited pseudoxanthoma elasticum; Arterial calcification, generalized, of infancy, 2. Last evaluated: 2024-04-22. Review status: criteria provided, single submitter. Criteria: ACMG Guidelines, 2015. Collection method: clinical testing. Allele origin: germline.

Labcorp Genetics (formerly Invitae), Labcorp
Classification: Uncertain significance. Last evaluated: 2022-10-24. Review status: criteria provided, single submitter. Criteria: Invitae Variant Classification Sherloc (09022015). Collection method: clinical testing. Allele origin: germline.
Comment: Advanced modeling of protein sequence and biophysical properties (such as structural, functional, and spatial information, amino acid conservation, physicochemical variation, residue mobility, and thermodynamic stability) has been performed at Invitae for this missense variant, however the output from this modeling did not meet the statistical confidence thresholds required to predict the impact of this variant on ABCC6 protein function. This sequence change replaces aspartic acid, which is acidic and polar, with glutamic acid, which is acidic and polar, at codon 974 of the ABCC6 protein (p.Asp974Glu). This variant is present in population databases (rs749463148, gnomAD 0.01%). This variant has not been reported in the literature in individuals affected with ABCC6-related conditions. In summary, the available evidence is currently insufficient to determine the role of this variant in disease. Therefore, it has been classified as a Variant of Uncertain Significance.

NM_001171.6(ABCC6):c.2922C>A (p.Asp974Glu)

Gene: ABCC6 (ATP binding cassette subfamily C member 6; minus strand). Cytogenetic location: 16p13.11.
Variant type: single nucleotide variant.
Coding change: c.2922C>A on transcript NM_001171.6 (MANE Select); coding-DNA position 2922, C replaced by A.
Protein change: p.Asp974Glu; replaces aspartic acid 974 with glutamic acid.
Molecular consequence: missense variant. On other transcripts: non-coding transcript variant (1).
Genome position (GRCh38, 1-based): chr16:16,169,719, G>T on the plus strand (C>A on the coding strand, the complement: ABCC6 is on the minus strand). VCF-style: chr16-16169719-G-T. GRCh37 (hg19) VCF-style: chr16-16263576-G-T.
Other names: c.2580C>A, p.Asp860Glu (NM_001351800.1); short protein forms D860E, D974E.
Identifiers: ClinVar variation 1504456 (VCV001504456.7), dbSNP rs749463148, ClinGen allele CA7925747.